The following is an entry in ClinVar:

ClinVar aggregate classification (germline): Conflicting classifications of pathogenicity. Review status: criteria provided, conflicting classifications (1 of 4 stars). 2 submissions from 2 submitters: Uncertain significance (1); Likely benign (1). Last evaluated 2024-11-15.

Conditions:
Congenital contractural arachnodactyly (CCA). Also called: BEALS SYNDROME; Beals-Hecht syndrome; Arthrogryposis, distal, type 9. Identifiers: Orphanet 115, MedGen C0220668, MONDO:0007363, OMIM 121050.

Allele frequency attached by ClinVar (database versions not stated): gnomAD 0.00001; ExAC 0.00002; TOPMed 0.00002.
gnomAD v4.1: 14 of 1,613,982 alleles (0.00087%); highest among the groups gnomAD compares: Admixed American, 0.005%; no homozygotes.

Submissions (2):

Labcorp Genetics (formerly Invitae), Labcorp
Classification: Likely benign for Congenital contractural arachnodactyly. Last evaluated: 2024-11-15. Review status: criteria provided, single submitter. Criteria: Invitae Variant Classification Sherloc (09022015). Collection method: clinical testing. Allele origin: germline.

GeneDx
Classification: Uncertain significance. Last evaluated: 2021-10-19. Review status: criteria provided, single submitter. Criteria: GeneDx Variant Classification Process June 2021. Collection method: clinical testing. Allele origin: germline. Affected: yes.
Comment: Has not been previously published as pathogenic or benign to our knowledge; Not observed at significant frequency in large population cohorts (Lek et al., 2016); In silico analysis supports that this missense variant does not alter protein structure/function; Although located in a calcium-binding EGF-like domain of the FBN2 gene, it does not affect a cysteine residue within this domain; cysteine substitutions in the calcium-binding EGF-like domains represent the majority of pathogenic missense changes associated with FBN2-related disorders (Frdric et al., 2009); Reported in ClinVar as a variant of uncertain significance (ClinVar Variant ID# 579280; Landrum et al., 2016); This variant is associated with the following publications: (PMID: 18767143, 26582918)

NM_001999.4(FBN2):c.5660A>G (p.Asn1887Ser)

Gene: FBN2 (fibrillin 2; minus strand). Cytogenetic location: 5q23.3.
Variant type: single nucleotide variant.
Coding change: c.5660A>G on transcript NM_001999.4 (MANE Select); coding-DNA position 5660, A replaced by G.
Protein change: p.Asn1887Ser; replaces asparagine 1887 with serine.
Molecular consequence: missense variant.
Genome position (GRCh38, 1-based): chr5:128,305,525, T>C on the plus strand (A>G on the coding strand, the complement: FBN2 is on the minus strand). VCF-style: chr5-128305525-T-C. GRCh37 (hg19) VCF-style: chr5-127641217-T-C.
Other names: short protein forms N1887S.
Identifiers: ClinVar variation 579280 (VCV000579280.10), dbSNP rs745759959, ClinGen allele CA3394647.
Genomic context (GRCh38, chr5:128,305,525, plus strand): 5'-GGAATCTTGTGCTCAGTGCCAAAGAATGAGTCAGCCTCTTTCTTACCTACACAGGCCCCA[T>C]TGGGTGAAAGTTTGAAACCCGCGGCACATTCACAGCGGTAACTACCAGGACTATTGATGC-3'
Protein context (NP_001990.2, residues 1877-1897): ECAAGFKLSP[Asn1887Ser]GACVDRNECL